The following is an entry in ClinVar:

NM_003482.4(KMT2D):c.12868C>G (p.Pro4290Ala)

Gene: KMT2D (lysine methyltransferase 2D; minus strand). Cytogenetic location: 12q13.12.
Variant type: single nucleotide variant.
Coding change: c.12868C>G on transcript NM_003482.4 (MANE Select); coding-DNA position 12868, C replaced by G.
Protein change: p.Pro4290Ala; replaces proline 4290 with alanine.
Molecular consequence: missense variant.
Genome position (GRCh38, 1-based): chr12:49,031,837, G>C on the plus strand (C>G on the coding strand, the complement: KMT2D is on the minus strand). VCF-style: chr12-49031837-G-C. GRCh37 (hg19) VCF-style: chr12-49425620-G-C.
Other names: c.12868C>G (NM_003482.3); short protein forms P4290A.
Identifiers: ClinVar variation 1037904 (VCV001037904.10), dbSNP rs763571646, ClinGen allele CA6546113.

ClinVar aggregate classification (germline): Conflicting classifications of pathogenicity. Review status: criteria provided, conflicting classifications (1 of 4 stars). 3 submissions from 3 submitters: Uncertain significance (2); Benign (1). Last evaluated 2025-10-15.

Conditions:
Kabuki syndrome. Also called: Kabuki make-up syndrome; NIIKAWA-KUROKI SYNDROME. Identifiers: Orphanet 2322, MedGen C0796004, MONDO:0016512.
Choanal atresia-athelia-hypothyroidism-delayed puberty-short stature syndrome (BCAHH). Also called: BRANCHIAL ARCH ABNORMALITIES, CHOANAL ATRESIA, ATHELIA, HEARING LOSS, AND HYPOTHYROIDISM SYNDROME. Identifiers: Orphanet 589856, MedGen C5680310, MONDO:0035651, OMIM 620186.
Kabuki syndrome 1 (KABUK1). Also called: KMT2D-Related Kabuki Syndrome. Identifiers: Orphanet 2322, MedGen CN030661, MONDO:0007843, OMIM 147920.
KMT2D-related disorder. Also called: KMT2D-Related Disorders.

Allele frequency attached by ClinVar (database versions not stated): gnomAD exomes below 0.00001 and 0.00001; TOPMed 0.00003; ExAC 0.00001; gnomAD 0.00002.
gnomAD v4.1: 4 of 1,554,360 alleles (0.00026%); highest among the groups gnomAD compares: African/African-American, 0.0055%; no homozygotes.

Submissions (3):

PreventionGenetics, part of Exact Sciences
Classification: Uncertain significance for KMT2D-related condition. Last evaluated: 2025-10-15. Review status: criteria provided, single submitter. Criteria: ACMG Guidelines, 2015. Collection method: clinical testing. Allele origin: germline.
Comment: The KMT2D c.12868C>G variant is predicted to result in the amino acid substitution p.Pro4290Ala. To our knowledge, this variant has not been reported in the literature. This variant is reported in 0.0086% of alleles in individuals of African descent in gnomAD. At this time, the clinical significance of this variant is uncertain due to the absence of conclusive functional and genetic evidence.

Fulgent Genetics
Classification: Uncertain significance for Kabuki syndrome 1; Choanal atresia-athelia-hypothyroidism-delayed puberty-short stature syndrome. Last evaluated: 2024-05-24. Review status: criteria provided, single submitter. Criteria: ACMG Guidelines, 2015. Collection method: clinical testing. Allele origin: germline.

Labcorp Genetics (formerly Invitae), Labcorp
Classification: Benign for Kabuki syndrome. Last evaluated: 2024-03-02. Review status: criteria provided, single submitter. Criteria: Invitae Variant Classification Sherloc (09022015). Collection method: clinical testing. Allele origin: germline.